The following is an entry in ClinVar:

NM_001401501.2(MUC16):c.1391C>T (p.Thr464Met)

Gene: MUC16 (mucin 16, cell surface associated; minus strand). Cytogenetic location: 19p13.2.
Variant type: single nucleotide variant.
Coding change: c.1391C>T on transcript NM_001401501.2 (MANE Select); coding-DNA position 1391, C replaced by T.
Protein change: p.Thr464Met; replaces threonine 464 with methionine.
Molecular consequence: missense variant.
Genome position (GRCh38, 1-based): chr19:8,979,868, G>A on the plus strand (C>T on the coding strand, the complement: MUC16 is on the minus strand). VCF-style: chr19-8979868-G-A. GRCh37 (hg19) VCF-style: chr19-9090544-G-A.
Other names: c.1817C>T, p.Thr606Met (NM_001414686.1); c.1271C>T, p.Thr424Met (NM_001414687.1, NM_024690.2); short protein forms T424M, T464M, T606M.
Identifiers: ClinVar variation 3037127 (VCV003037127.2), dbSNP rs115398015, ClinGen allele CA9173440.

ClinVar aggregate classification (germline): Benign (0 of 4 stars; one submission).

Conditions:
MUC16-related disorder. Also called: MUC16-related condition.

Allele frequency attached by ClinVar (database versions not stated): gnomAD 0.01165; ESP Exome Variant Server 0.01194; TOPMed 0.01372; ExAC 0.00340; 1000 Genomes Project 0.01058; 1000 Genomes Project 30x 0.01077.

Submission:

PreventionGenetics, part of Exact Sciences
Classification: Benign for MUC16-related condition. Last evaluated: 2019-06-06. Review status: no assertion criteria provided. Collection method: clinical testing. Allele origin: germline.
Comment: This variant is classified as benign based on ACMG/AMP sequence variant interpretation guidelines (Richards et al. 2015 PMID: 25741868, with internal and published modifications).